The following is an entry in ClinVar:

ClinVar aggregate classification (germline): Likely pathogenic (1 of 4 stars; one submission).

Conditions:
Autosomal dominant pseudohypoaldosteronism type 1. Also called: PHA I, AUTOSOMAL DOMINANT; Pseudohypoaldosteronism, Type I, Dominant; Pseudohypoaldosteronism, Type I, Autosomal Dominant. Identifiers: Orphanet 171871, Orphanet 756, MedGen C1449842, MONDO:0008329, OMIM 177735.

Submission:

New York Genome Center
Classification: Likely pathogenic for Autosomal dominant pseudohypoaldosteronism type 1. Last evaluated: 2025-02-10. Review status: criteria provided, single submitter. Criteria: NYGC Assertion Criteria 2020. Collection method: clinical testing. Allele origin: inherited. Affected: yes. Observed: 1 variant allele, 1 heterozygote.
Comment: The c.2754G>A p.(Trp918Ter) variant in NR3C2 has not previously been reported in the literature or variant repositories (ClinVar and HGMD) and is absent from the gnomAD v4.1.0 database, suggesting it is not a common benign variant in the populations represented in that database. The c.2754G>A variant in NR3C2 is located within the last 50bp of exon 8 of this 9-exon gene and is predicted to escape nonsense-mediated mRNA decay. The mutant protein is expected to lack the last 66 amino acids compared to the full length 984 amino acid protein, which includes part of the ligand binding domain encoded by amino acids 726-964 [UniProt ID:P08235]. It has been suggested that the deletion of four or more amino acids from the C-terminus of the mineralocorticoid receptor leads to complete loss of ligand binding [PMID: 9626661]. Predicted loss-of-function variants in exon 8 and downstream of p.(Trp918Ter) have been reported in individuals with features of Pseudohypoaldosteronism type I in the literature [PMID: 15126534, 11344206, 27725360, 38344358, 16611713, 28348114]. Although this exact variant has not been reported in the literature, a different variant affecting the same codon with similar predicted impact (c.2753G>A p.(Trp918Ter)) has been observed in one individual with biochemical findings of high plasma renin (2000 ng/l, normal range 4-220 ng/l), however, plasma aldosterone levels were within normal range (1309 pmol/l,normal range <1500 pmol/l) [PMID: 23852419, 28348114]. Based on available evidence the c.2754G>A p.(Trp918Ter) variant identified in NR3C2 is classified as Likely Pathogenic.

NM_000901.5(NR3C2):c.2754G>A (p.Trp918Ter)

Gene: NR3C2 (nuclear receptor subfamily 3 group C member 2; minus strand). Cytogenetic location: 4q31.23.
Variant type: single nucleotide variant.
Coding change: c.2754G>A on transcript NM_000901.5 (MANE Select); coding-DNA position 2754, G replaced by A.
Protein change: p.Trp918Ter; replaces tryptophan 918 with a stop codon.
Molecular consequence: nonsense. On other transcripts: non-coding transcript variant (1).
Genome position (GRCh38, 1-based): chr4:148,114,149, C>T on the plus strand (G>A on the coding strand, the complement: NR3C2 is on the minus strand). VCF-style: chr4-148114149-C-T. GRCh37 (hg19) VCF-style: chr4-149035300-C-T.
Other names: c.2403G>A, p.Trp801Ter (NM_001166104.2, NM_001354819.1); c.2754G>A, p.Trp918Ter (NM_001437654.1, NM_001437655.1, NM_001437656.1); c.2766G>A, p.Trp922Ter (NM_001437657.1); short protein forms W801*, W918*, W922*.
Identifiers: ClinVar variation 4888379 (VCV004888379.1).